The following is an entry in ClinVar:

NM_001374828.1(ARID1B):c.832C>T (p.Pro278Ser)

Genes: ARID1B (AT-rich interaction domain 1B; plus strand), LOC115308161 (uncharacterized LOC115308161; minus strand), LOC129997525 (ATAC-STARR-seq lymphoblastoid silent region 17712; plus strand). Cytogenetic location: 6q25.3.
Variant type: single nucleotide variant.
Coding change: c.832C>T on transcript NM_001374828.1 (MANE Select); coding-DNA position 832, C replaced by T.
Protein change: p.Pro278Ser; replaces proline 278 with serine.
Molecular consequence: missense variant. On other transcripts: non-coding transcript variant (1).
Genome position (GRCh38, 1-based): chr6:156,778,512, C>T. VCF-style: chr6-156778512-C-T. GRCh37 (hg19) VCF-style: chr6-157099646-C-T.
Other names: c.583C>T, p.Pro195Ser (NM_001346813.1, NM_020732.3); c.832C>T, p.Pro278Ser (NM_001371656.1, NM_001374820.1, NM_017519.3); c.409C>T, p.Pro137Ser (NM_175863.2); short protein forms P195S, P137S, P278S.
Identifiers: ClinVar variation 1995352 (VCV001995352.5), dbSNP rs2114976830, ClinGen allele CA366382209.

ClinVar aggregate classification (germline): Uncertain significance. Review status: criteria provided, multiple submitters, no conflicts (2 of 4 stars). 2 submissions from 2 submitters: Uncertain significance (2). Last evaluated 2022-07-04.

Submissions (2):

Labcorp Genetics (formerly Invitae), Labcorp
Classification: Uncertain significance. Last evaluated: 2022-07-04. Review status: criteria provided, single submitter. Criteria: Invitae Variant Classification Sherloc (09022015). Collection method: clinical testing. Allele origin: germline.
Comment: In summary, the available evidence is currently insufficient to determine the role of this variant in disease. Therefore, it has been classified as a Variant of Uncertain Significance. Algorithms developed to predict the effect of missense changes on protein structure and function are either unavailable or do not agree on the potential impact of this missense change (SIFT: "Deleterious"; PolyPhen-2: "Not Available"; Align-GVGD: "Class C0"). This variant has not been reported in the literature in individuals affected with ARID1B-related conditions. The frequency data for this variant in the population databases is considered unreliable, as metrics indicate insufficient coverage at this position in the gnomAD database. This sequence change replaces proline, which is neutral and non-polar, with serine, which is neutral and polar, at codon 195 of the ARID1B protein (p.Pro195Ser).

Blueprint Genetics
Classification: Uncertain significance. Last evaluated: 2021-12-21. Review status: criteria provided, single submitter. Criteria: ACMG Guidelines, 2015. Collection method: clinical testing. Allele origin: germline.